The following is an entry in ClinVar:

ClinVar aggregate classification (germline): Uncertain significance (1 of 4 stars; one submission).

Conditions:
Developmental and epileptic encephalopathy 94 (DEE94). Also called: Epileptic encephalopathy, childhood-onset; CHD2-Related Neurodevelopmental Disorders. Identifiers: Orphanet 1942, Orphanet 2382, MedGen C3809278, MONDO:0014150, OMIM 615369.

gnomAD v4.1: 1 of 1,611,414 alleles (0.000062%); highest among the groups gnomAD compares: Non-Finnish European, 0.000085%; no homozygotes.

Submission:

Labcorp Genetics (formerly Invitae), Labcorp
Classification: Uncertain significance for Developmental and epileptic encephalopathy 94. Last evaluated: 2024-02-24. Review status: criteria provided, single submitter. Criteria: Invitae Variant Classification Sherloc (09022015). Collection method: clinical testing. Allele origin: germline.
Comment: This sequence change replaces isoleucine, which is neutral and non-polar, with methionine, which is neutral and non-polar, at codon 822 of the CHD2 protein (p.Ile822Met). This variant is not present in population databases (gnomAD no frequency). This variant has not been reported in the literature in individuals affected with CHD2-related conditions. Advanced modeling of protein sequence and biophysical properties (such as structural, functional, and spatial information, amino acid conservation, physicochemical variation, residue mobility, and thermodynamic stability) performed at Invitae indicates that this missense variant is not expected to disrupt CHD2 protein function with a negative predictive value of 95%. In summary, the available evidence is currently insufficient to determine the role of this variant in disease. Therefore, it has been classified as a Variant of Uncertain Significance.

NM_001271.4(CHD2):c.2466C>G (p.Ile822Met)

Gene: CHD2 (chromodomain helicase DNA binding protein 2; plus strand). Cytogenetic location: 15q26.1.
Variant type: single nucleotide variant.
Coding change: c.2466C>G on transcript NM_001271.4 (MANE Select); coding-DNA position 2466, C replaced by G.
Protein change: p.Ile822Met; replaces isoleucine 822 with methionine.
Molecular consequence: missense variant.
Genome position (GRCh38, 1-based): chr15:92,972,378, C>G. VCF-style: chr15-92972378-C-G. GRCh37 (hg19) VCF-style: chr15-93515608-C-G.
Other names: short protein forms I822M.
Identifiers: ClinVar variation 3636678 (VCV003636678.2).
Genomic context (GRCh38, chr15:92,972,378, plus strand): 5'-ACTTCGAGAAAGGGGGAATCGAGTGCTTATCTTCTCTCAGATGGTGAGAATGTTGGATAT[C>G]CTGGCTGAATACCTAACTATTAAACACTATCCTTTCCAGGTAAGGTGATTTCAGTAATTG-3'
Protein context (NP_001262.3, residues 812-832): IFSQMVRMLD[Ile822Met]LAEYLTIKHY